The following is an entry in ClinVar:

ClinVar aggregate classification (germline): Likely pathogenic. Review status: criteria provided, multiple submitters, no conflicts (2 of 4 stars). 2 submissions from 2 submitters: Likely pathogenic (2). Last evaluated 2024-02-26.

Conditions:
Bardet-Biedl syndrome (BBS). Identifiers: Orphanet 110, MedGen C0752166, MONDO:0015229.
Retinitis pigmentosa 51 (RP51). Identifiers: Orphanet 791, MedGen C3150715, MONDO:0013274, OMIM 613464.

Allele frequency attached by ClinVar (database versions not stated): gnomAD exomes below 0.00001.

Submissions (2):

Baylor Genetics
Classification: Likely pathogenic for Retinitis pigmentosa 51. Last evaluated: 2024-02-26. Review status: criteria provided, single submitter. Criteria: ACMG Guidelines, 2015. Collection method: clinical testing. Allele origin: unknown.

Labcorp Genetics (formerly Invitae), Labcorp
Classification: Likely pathogenic for Bardet-Biedl syndrome. Last evaluated: 2020-02-22. Review status: criteria provided, single submitter. Criteria: Invitae Variant Classification Sherloc (09022015). Collection method: clinical testing. Allele origin: germline.
Comment: This sequence change affects an acceptor splice site in intron 9 of the TTC8 gene. It is expected to disrupt RNA splicing and likely results in an absent or disrupted protein product. The frequency data for this variant in the population databases is considered unreliable, as metrics indicate poor data quality at this position in the ExAC database. This variant has not been reported in the literature in individuals with TTC8-related conditions. Algorithms developed to predict the effect of sequence changes on RNA splicing suggest that this variant may disrupt the consensus splice site, but this prediction has not been confirmed by published transcriptional studies. Donor and acceptor splice site variants typically lead to a loss of protein function (PMID: 16199547), and loss-of-function variants in TTC8 are known to be pathogenic (PMID: 16308660, 21052717). In summary, the currently available evidence indicates that the variant is pathogenic, but additional data are needed to prove that conclusively. Therefore, this variant has been classified as Likely Pathogenic.

Literature cited by the submitters: PubMed 16199547 (cited by Labcorp Genetics (formerly Invitae), Labcorp); PubMed 16308660 (cited by Labcorp Genetics (formerly Invitae), Labcorp); PubMed 21052717 (cited by Labcorp Genetics (formerly Invitae), Labcorp).

NM_144596.4(TTC8):c.799-2A>G

Gene: TTC8 (tetratricopeptide repeat domain 8; plus strand). Cytogenetic location: 14q31.3.
Variant type: single nucleotide variant.
Coding change: c.799-2A>G on transcript NM_144596.4 (MANE Select); the canonical splice acceptor site of the intron before coding-DNA position 799, A replaced by G.
Molecular consequence: splice acceptor variant.
Genome position (GRCh38, 1-based): chr14:88,861,220, A>G. VCF-style: chr14-88861220-A-G. GRCh37 (hg19) VCF-style: chr14-89327564-A-G.
Other names: c.205-2A>G (NM_001288782.1); c.847-2A>G (NM_001288781.1); c.769-2A>G (NM_198309.3, NM_001366535.2); c.82-2A>G (NM_001288783.1); c.679-2A>G (NM_198310.3, NM_001366536.2); c.799-2A>G (NM_144596.3).
Identifiers: ClinVar variation 1067170 (VCV001067170.8), dbSNP rs771218088, ClinGen allele CA7302602.